The following is an entry in ClinVar:

NC_000010.11:g.69905789_69905806del

Gene: COL13A1 (collagen type XIII alpha 1 chain; plus strand). Cytogenetic location: 10q22.1.
Variant type: Deletion.
Genome position: GRCh38 VCF-style: chr10-69905782-CCCAGGGAGACCCAGGGAT-C. GRCh37 (hg19) VCF-style: chr10-71665538-CCCAGGGAGACCCAGGGAT-C.
Identifiers: ClinVar variation 2130724 (VCV002130724.2), ClinGen allele CA2580081800.

ClinVar aggregate classification (germline): Uncertain significance (1 of 4 stars; one submission).

Submission:

Labcorp Genetics (formerly Invitae), Labcorp
Classification: Uncertain significance. Last evaluated: 2022-04-25. Review status: criteria provided, single submitter. Criteria: Invitae Variant Classification Sherloc (09022015). Collection method: clinical testing. Allele origin: germline.
Comment: This variant, c.918_935del, results in the deletion of 6 amino acid(s) of the COL13A1 protein (p.Asp307_Gly312del), but otherwise preserves the integrity of the reading frame. This variant is not present in population databases (gnomAD no frequency). This variant has not been reported in the literature in individuals affected with COL13A1-related conditions. Experimental studies and prediction algorithms are not available or were not evaluated, and the functional significance of this variant is currently unknown. Algorithms developed to predict the effect of sequence changes on RNA splicing suggest that this variant may disrupt the consensus splice site. In summary, the available evidence is currently insufficient to determine the role of this variant in disease. Therefore, it has been classified as a Variant of Uncertain Significance.